The following is an entry in ClinVar:

NM_002887.4(RARS1):c.1468G>A (p.Glu490Lys)

Gene: RARS1 (arginyl-tRNA synthetase 1; plus strand). Cytogenetic location: 5q34.
Variant type: single nucleotide variant.
Coding change: c.1468G>A on transcript NM_002887.4 (MANE Select); coding-DNA position 1468, G replaced by A.
Protein change: p.Glu490Lys; replaces glutamic acid 490 with lysine.
Molecular consequence: missense variant.
Genome position (GRCh38, 1-based): chr5:168,516,793, G>A. VCF-style: chr5-168516793-G-A. GRCh37 (hg19) VCF-style: chr5-167943798-G-A.
Other names: p.Glu490Lys; short protein forms E490K.
Identifiers: ClinVar variation 4541088 (VCV004541088.1).

ClinVar aggregate classification (germline): Uncertain significance (1 of 4 stars; one submission).

gnomAD v4.1: 3 of 1,613,978 alleles (0.00019%); highest among the groups gnomAD compares: Non-Finnish European, 0.00025%; no homozygotes.

Submission:

Mayo Clinic Laboratories, Mayo Clinic
Classification: Uncertain significance. Last evaluated: 2024-12-24. Review status: criteria provided, single submitter. Criteria: ACMG Guidelines, 2015. Collection method: clinical testing. Allele origin: germline. Observed: 1 variant allele.
Comment: PP3, PM2_supporting